The following is an entry in ClinVar:

NM_032830.3(UTP4):c.1188C>T (p.Ser396=)

Gene: UTP4 (UTP4 small subunit processome component). Cytogenetic location: 16q22.1.
Variant type: single nucleotide variant.
Coding change: c.1188C>T on transcript NM_032830.3 (MANE Select); coding-DNA position 1188, C replaced by T.
Protein change: p.Ser396=; no amino-acid change (serine 396 retained).
Molecular consequence: synonymous variant.
Genome position (GRCh38, 1-based): chr16:69,155,894, C>T. VCF-style: chr16-69155894-C-T. GRCh37 (hg19) VCF-style: chr16-69189797-C-T.
Other names: c.939C>T, p.Ser313= (NM_001318391.2).
Identifiers: ClinVar variation 4982153 (VCV004982153.1).

ClinVar aggregate classification (germline): Likely benign (1 of 4 stars; one submission).

Conditions:
UTP4-related disorder. Also called: UTP4-related condition.

Submission:

PreventionGenetics, part of Exact Sciences
Classification: Likely benign for UTP4-related condition. Last evaluated: 2025-05-22. Review status: criteria provided, single submitter. Criteria: ACMG Guidelines, 2015. Collection method: clinical testing. Allele origin: germline.
Comment: This variant is classified as likely benign based on ACMG/AMP sequence variant interpretation guidelines (Richards et al. 2015 PMID: 25741868, with internal and published modifications).